The following is an entry in ClinVar:

NM_005263.5(GFI1):c.1072C>T (p.His358Tyr)

Gene: GFI1 (growth factor independent 1 transcriptional repressor; minus strand). Cytogenetic location: 1p22.1.
Variant type: single nucleotide variant.
Coding change: c.1072C>T on transcript NM_005263.5 (MANE Select); coding-DNA position 1072, C replaced by T.
Protein change: p.His358Tyr; replaces histidine 358 with tyrosine.
Molecular consequence: missense variant.
Genome position (GRCh38, 1-based): chr1:92,478,606, G>A on the plus strand (C>T on the coding strand, the complement: GFI1 is on the minus strand). VCF-style: chr1-92478606-G-A. GRCh37 (hg19) VCF-style: chr1-92944163-G-A.
Other names: c.1072C>T, p.His358Tyr (NM_001127215.3, NM_001127216.3); short protein forms H358Y.
Identifiers: ClinVar variation 4843287 (VCV004843287.1).

ClinVar aggregate classification (germline): Uncertain significance (1 of 4 stars; one submission).

Submission:

Ambry Genetics
Classification: Uncertain significance. Last evaluated: 2026-01-04. Review status: criteria provided, single submitter. Criteria: Ambry Variant Classification Scheme 2023. Collection method: clinical testing. Allele origin: germline.
Comment: The p.H358Y variant (also known as c.1072C>T), located in coding exon 5 of the GFI1 gene, results from a C to T substitution at nucleotide position 1072. The histidine at codon 358 is replaced by tyrosine, an amino acid with similar properties. This amino acid position is conserved. In addition, this alteration is predicted to be deleterious by in silico analysis. Based on the available evidence, the clinical significance of this variant remains unclear.